The following is an entry in ClinVar:

ClinVar aggregate classification (germline): Uncertain significance (1 of 4 stars; one submission).

Conditions:
Familial sleep-related hypermotor epilepsy. Also called: Autosomal Dominant Sleep-Related Hypermotor (Hyperkinetic) Epilepsy. Identifiers: Orphanet 98784, MedGen C3696898, MONDO:0000030.

Allele frequency attached by ClinVar (database versions not stated): gnomAD exomes below 0.00001.
gnomAD v4.1: 1 of 1,614,044 alleles (0.000062%); highest among the groups gnomAD compares: Non-Finnish European, 0.000085%; no homozygotes.

Submission:

Labcorp Genetics (formerly Invitae), Labcorp
Classification: Uncertain significance. Last evaluated: 2022-10-17. Review status: criteria provided, single submitter. Criteria: Invitae Variant Classification Sherloc (09022015). Collection method: clinical testing. Allele origin: germline.
Comment: This sequence change replaces tyrosine, which is neutral and polar, with cysteine, which is neutral and slightly polar, at codon 70 of the CHRNA2 protein (p.Tyr70Cys). In summary, the available evidence is currently insufficient to determine the role of this variant in disease. Therefore, it has been classified as a Variant of Uncertain Significance. Advanced modeling of protein sequence and biophysical properties (such as structural, functional, and spatial information, amino acid conservation, physicochemical variation, residue mobility, and thermodynamic stability) performed at Invitae indicates that this missense variant is expected to disrupt CHRNA2 protein function. ClinVar contains an entry for this variant (Variation ID: 999091). This variant has not been reported in the literature in individuals affected with CHRNA2-related conditions. This variant is not present in population databases (gnomAD no frequency).

NM_000742.4(CHRNA2):c.209A>G (p.Tyr70Cys)

Gene: CHRNA2 (cholinergic receptor nicotinic alpha 2 subunit; minus strand). Cytogenetic location: 8p21.2.
Variant type: single nucleotide variant.
Coding change: c.209A>G on transcript NM_000742.4 (MANE Select); coding-DNA position 209, A replaced by G.
Protein change: p.Tyr70Cys; replaces tyrosine 70 with cysteine.
Molecular consequence: missense variant. On other transcripts: 5 prime UTR variant (4).
Genome position (GRCh38, 1-based): chr8:27,469,846, T>C on the plus strand (A>G on the coding strand, the complement: CHRNA2 is on the minus strand). VCF-style: chr8-27469846-T-C. GRCh37 (hg19) VCF-style: chr8-27327363-T-C.
Other names: c.209A>G, p.Tyr70Cys (NM_001282455.2); c.-219A>G (NM_001347705.2); c.-264A>G (NM_001347706.2); c.-205A>G (NM_001347707.2); c.-253A>G (NM_001347708.2); short protein forms Y70C.
Identifiers: ClinVar variation 999091 (VCV000999091.5), dbSNP rs1812818035, ClinGen allele CA370813039.